The following is an entry in ClinVar:

ClinVar aggregate classification (germline): Pathogenic (1 of 4 stars; one submission).

Submission:

Labcorp Genetics (formerly Invitae), Labcorp
Classification: Pathogenic. Last evaluated: 2024-05-01. Review status: criteria provided, single submitter. Criteria: Invitae Variant Classification Sherloc (09022015). Collection method: clinical testing. Allele origin: germline.
Comment: This sequence change creates a premature translational stop signal (p.Lys637Glufs*5) in the ASPM gene. It is expected to result in an absent or disrupted protein product. Loss-of-function variants in ASPM are known to be pathogenic (PMID: 19028728, 23611254). This variant is not present in population databases (gnomAD no frequency). This variant has not been reported in the literature in individuals affected with ASPM-related conditions. For these reasons, this variant has been classified as Pathogenic.

Literature cited by the submitters: PubMed 19028728; PubMed 23611254.

NM_018136.5(ASPM):c.1907dup (p.Lys637fs)

Gene: ASPM (assembly factor for spindle microtubules; minus strand). Cytogenetic location: 1q31.3.
Variant type: Duplication.
Coding change: c.1907dup on transcript NM_018136.5 (MANE Select); coding-DNA position 1907, one base duplicated (T; older notation c.1907dupT).
Protein change: p.Lys637fs; shifts the reading frame from lysine 637.
Molecular consequence: frameshift variant.
Genome position (GRCh38, 1-based): chr1:197,142,345, A duplicated on the plus strand (T on the coding strand, the reverse complement: ASPM is on the minus strand). VCF-style (leftmost placement, unchanged base first): chr1-197142344-C-CA. GRCh37 (hg19) VCF-style: chr1-197111474-C-CA.
Other names: c.1907dup, p.Lys637fs (NM_001206846.2); short protein forms K637fs.
Identifiers: ClinVar variation 3689581 (VCV003689581.2).